The following is an entry in ClinVar:

NM_000530.8(MPZ):c.232T>C (p.Ser78Pro)

Gene: MPZ (myelin protein zero; minus strand). Cytogenetic location: 1q23.3.
Variant type: single nucleotide variant.
Coding change: c.232T>C on transcript NM_000530.8 (MANE Select); coding-DNA position 232, T replaced by C.
Protein change: p.Ser78Pro; replaces serine 78 with proline.
Molecular consequence: missense variant.
Genome position (GRCh38, 1-based): chr1:161,307,260, A>G on the plus strand (T>C on the coding strand, the complement: MPZ is on the minus strand). VCF-style: chr1-161307260-A-G. GRCh37 (hg19) VCF-style: chr1-161277050-A-G.
Other names: c.232T>C, p.Ser78Pro (NM_001315491.2); short protein forms S78P.
Identifiers: ClinVar variation 1466061 (VCV001466061.6), dbSNP rs2102259765, ClinGen allele CA343350262.

ClinVar aggregate classification (germline): Uncertain significance (1 of 4 stars; one submission).

Conditions:
Charcot-Marie-Tooth disease, type I (CMT1). Also called: Charcot-Marie-Tooth, Type 1; Charcot-Marie-Tooth disease type 1. Identifiers: Orphanet 65753, MedGen C0751036, MONDO:0019011.

Submission:

Labcorp Genetics (formerly Invitae), Labcorp
Classification: Uncertain significance for Charcot-Marie-Tooth disease, type I. Last evaluated: 2021-09-20. Review status: criteria provided, single submitter. Criteria: Invitae Variant Classification Sherloc (09022015). Collection method: clinical testing. Allele origin: germline.
Comment: This sequence change replaces serine with proline at codon 78 of the MPZ protein (p.Ser78Pro). The serine residue is highly conserved and there is a moderate physicochemical difference between serine and proline. This variant is not present in population databases (ExAC no frequency). This missense change has been observed in individual(s) with clinical features of autosomal dominant MPZ-related conditions (Invitae). Algorithms developed to predict the effect of missense changes on protein structure and function (SIFT, PolyPhen-2, Align-GVGD) all suggest that this variant is likely to be disruptive. This variant disrupts the p.Ser78 amino acid residue in MPZ. Other variant(s) that disrupt this residue have been determined to be pathogenic (PMID: 7527371, 9633821, 10965800, 18347322). This suggests that this residue is clinically significant, and that variants that disrupt this residue are likely to be disease-causing. In summary, the available evidence is currently insufficient to determine the role of this variant in disease. Therefore, it has been classified as a Variant of Uncertain Significance.

Literature cited by the submitters: PubMed 7527371; PubMed 9633821; PubMed 10965800; PubMed 18347322.